The following is an entry in ClinVar:

NC_000016.9:g.(?_77325143)_(77397802_?)dup

Gene: ADAMTS18 (ADAM metallopeptidase with thrombospondin type 1 motif 18; minus strand). Cytogenetic location: 16q23.1.
Variant type: Duplication.
Identifiers: ClinVar variation 1377160 (VCV001377160.5).

ClinVar aggregate classification (germline): Uncertain significance (1 of 4 stars; one submission).

Submission:

Labcorp Genetics (formerly Invitae), Labcorp
Classification: Uncertain significance. Last evaluated: 2023-05-22. Review status: criteria provided, single submitter. Criteria: Invitae Variant Classification Sherloc (09022015). Collection method: clinical testing. Allele origin: germline.
Comment: This variant results in a copy number gain of the genomic region encompassing exon(s) 6-21 of the ADAMTS18 gene. While the exact position of this variant cannot be determined from the data, sub-genic copy number gains are generally in tandem (PMID: 25640679). This variant is predicted to be in-frame, and likely preserves the integrity of the reading frame. This variant has not been reported in the literature in individuals affected with ADAMTS18-related conditions. Experimental studies and prediction algorithms are not available or were not evaluated, and the functional significance of this variant is currently unknown. In summary, the available evidence is currently insufficient to determine the role of this variant in disease. Therefore, it has been classified as a Variant of Uncertain Significance.

Literature cited by the submitters: PubMed 25640679.